The following is an entry in ClinVar:

ClinVar aggregate classification (germline): Uncertain significance. Review status: criteria provided, multiple submitters, no conflicts (2 of 4 stars). 3 submissions from 3 submitters: Uncertain significance (3). Last evaluated 2025-05-14.

Conditions:
Hereditary cancer-predisposing syndrome. Also called: Neoplastic Syndromes, Hereditary; Hereditary Cancer Syndrome; Hereditary neoplastic syndrome; Tumor predisposition. Identifiers: Orphanet 140162, MedGen C0027672, MeSH D009386, MONDO:0015356.
Gastrointestinal stromal tumor. Also called: Gastrointestinal stromal tumor, somatic; Gastrointestinal stroma tumor. Identifiers: Orphanet 44890, MedGen C0238198, MeSH D046152, MONDO:0011719, OMIM 606764, HP:0100723.

Allele frequency attached by ClinVar (database versions not stated): TOPMed below 0.00001.
gnomAD v4.1: 1 of 1,602,968 alleles (0.000062%); no homozygotes.

Submissions (3):

Ambry Genetics
Classification: Uncertain significance for Hereditary cancer-predisposing syndrome. Last evaluated: 2025-05-14. Review status: criteria provided, single submitter. Criteria: Ambry Variant Classification Scheme 2023. Collection method: clinical testing. Allele origin: germline.
Comment: The p.S923T variant (also known as c.2768G>C), located in coding exon 19 of the PDGFRA gene, results from a G to C substitution at nucleotide position 2768. The serine at codon 923 is replaced by threonine, an amino acid with similar properties. This amino acid position is not well conserved in available vertebrate species. In addition, this alteration is predicted to be tolerated by in silico analysis. Based on the available evidence, the clinical significance of this variant remains unclear.

Labcorp Genetics (formerly Invitae), Labcorp
Classification: Uncertain significance for Gastrointestinal stromal tumor. Last evaluated: 2025-05-13. Review status: criteria provided, single submitter. Criteria: Invitae Variant Classification Sherloc (09022015). Collection method: clinical testing. Allele origin: germline.
Comment: This sequence change replaces serine, which is neutral and polar, with threonine, which is neutral and polar, at codon 923 of the PDGFRA protein (p.Ser923Thr). This variant is not present in population databases (gnomAD no frequency). This missense change has been observed in individual(s) with colon cancer (PMID: 30093976). ClinVar contains an entry for this variant (Variation ID: 407418). Invitae Evidence Modeling of protein sequence and biophysical properties (such as structural, functional, and spatial information, amino acid conservation, physicochemical variation, residue mobility, and thermodynamic stability) indicates that this missense variant is not expected to disrupt PDGFRA protein function with a negative predictive value of 80%. In summary, the available evidence is currently insufficient to determine the role of this variant in disease. Therefore, it has been classified as a Variant of Uncertain Significance.

GeneDx
Classification: Uncertain significance. Last evaluated: 2023-02-09. Review status: criteria provided, single submitter. Criteria: GeneDx Variant Classification Process June 2021. Collection method: clinical testing. Allele origin: germline.
Comment: Not observed at significant frequency in large population cohorts (gnomAD); In silico analysis supports that this missense variant does not alter protein structure/function; Observed in an individual with a personal history of colorectal cancer and a family history of various different cancers (Chan 2018); This variant is associated with the following publications: (PMID: 30093976)

Literature cited by the submitters: PubMed 30093976 (cited by Labcorp Genetics (formerly Invitae), Labcorp).

NM_006206.6(PDGFRA):c.2768G>C (p.Ser923Thr)

Gene: PDGFRA (platelet derived growth factor receptor alpha; plus strand). Cytogenetic location: 4q12.
Variant type: single nucleotide variant.
Coding change: c.2768G>C on transcript NM_006206.6 (MANE Select); coding-DNA position 2768, G replaced by C.
Protein change: p.Ser923Thr; replaces serine 923 with threonine.
Molecular consequence: missense variant.
Genome position (GRCh38, 1-based): chr4:54,288,892, G>C. VCF-style: chr4-54288892-G-C. GRCh37 (hg19) VCF-style: chr4-55155059-G-C.
Other names: c.2843G>C, p.Ser948Thr (NM_001347828.2); c.2768G>C, p.Ser923Thr (NM_001347829.2); c.2807G>C, p.Ser936Thr (NM_001347830.2); short protein forms S923T, S936T, S948T.
Identifiers: ClinVar variation 407418 (VCV000407418.23), dbSNP rs1060501511, ClinGen allele CA16611495.